The following is an entry in ClinVar:

ClinVar aggregate classification (germline): Pathogenic. Review status: criteria provided, multiple submitters, no conflicts (2 of 4 stars). 2 submissions from 2 submitters: Pathogenic (2). Last evaluated 2022-05-27.

Conditions:
Hereditary cancer-predisposing syndrome. Also called: Hereditary neoplastic syndrome; Neoplastic Syndromes, Hereditary; Tumor predisposition; Hereditary Cancer Syndrome. Identifiers: Orphanet 140162, MedGen C0027672, MeSH D009386, MONDO:0015356.
Microcephaly, normal intelligence and immunodeficiency (NBS). Also called: IMMUNODEFICIENCY, MICROCEPHALY, AND CHROMOSOMAL INSTABILITY; SEEMANOVA SYNDROME II; Immunodeficiency, microcephaly with normal intelligence; Ataxia telangiectasia variant V1; Nijmegen breakage syndrome; Microcephaly with normal intelligence immunodeficiency and lymphoreticular malignancies. Identifiers: Orphanet 647, MedGen C0398791, MONDO:0009623, OMIM 251260.

Allele frequency attached by ClinVar (database versions not stated): gnomAD exomes below 0.00001.
gnomAD v4.1: 1 of 1,612,662 alleles (0.000062%); highest among the groups gnomAD compares: Non-Finnish European, 0.000085%; no homozygotes.

Submissions (2):

Labcorp Genetics (formerly Invitae), Labcorp
Classification: Pathogenic for Microcephaly, normal intelligence and immunodeficiency. Last evaluated: 2022-05-27. Review status: criteria provided, single submitter. Criteria: Invitae Variant Classification Sherloc (09022015). Collection method: clinical testing. Allele origin: germline.
Comment: For these reasons, this variant has been classified as Pathogenic. ClinVar contains an entry for this variant (Variation ID: 411751). This variant has not been reported in the literature in individuals affected with NBN-related conditions. This variant is not present in population databases (gnomAD no frequency). This sequence change creates a premature translational stop signal (p.Leu128*) in the NBN gene. It is expected to result in an absent or disrupted protein product. Loss-of-function variants in NBN are known to be pathogenic (PMID: 9590180, 16415040).

Ambry Genetics
Classification: Pathogenic for Hereditary cancer-predisposing syndrome. Last evaluated: 2021-12-15. Review status: criteria provided, single submitter. Criteria: Ambry Variant Classification Scheme 2023. Collection method: clinical testing. Allele origin: germline.
Comment: The p.L128* pathogenic mutation (also known as c.383T>G), located in coding exon 4 of the NBN gene, results from a T to G substitution at nucleotide position 383. This changes the amino acid from a leucine to a stop codon within coding exon 4. This variant is considered to be rare based on population cohorts in the Genome Aggregation Database (gnomAD). This alteration is expected to result in loss of function by premature protein truncation or nonsense-mediated mRNA decay. As such, this alteration is interpreted as a disease-causing mutation.

Literature cited by the submitters: PubMed 9590180 (cited by Labcorp Genetics (formerly Invitae), Labcorp); PubMed 16415040 (cited by Labcorp Genetics (formerly Invitae), Labcorp).

NM_002485.5(NBN):c.383T>G (p.Leu128Ter)

Gene: NBN (nibrin; minus strand). Cytogenetic location: 8q21.3.
Variant type: single nucleotide variant.
Coding change: c.383T>G on transcript NM_002485.5 (MANE Select); coding-DNA position 383, T replaced by G.
Protein change: p.Leu128Ter; replaces leucine 128 with a stop codon.
Molecular consequence: nonsense.
Genome position (GRCh38, 1-based): chr8:89,980,831, A>C on the plus strand (T>G on the coding strand, the complement: NBN is on the minus strand). VCF-style: chr8-89980831-A-C. GRCh37 (hg19) VCF-style: chr8-90993059-A-C.
Other names: c.137T>G, p.Leu46Ter (NM_001024688.3); short protein forms L128*, L46*.
Identifiers: ClinVar variation 411751 (VCV000411751.9), dbSNP rs1060503463, ClinGen allele CA16612505.